The following is an entry in ClinVar:

ClinVar aggregate classification (germline): Uncertain significance. Review status: criteria provided, multiple submitters, no conflicts (2 of 4 stars). 3 submissions from 3 submitters: Uncertain significance (2). 1 of the submissions does not count toward it. Last evaluated 2025-09-24.

Conditions:
Familial isolated deficiency of vitamin E (AVED). Also called: ATAXIA, FRIEDREICH-LIKE, WITH SELECTIVE VITAMIN E DEFICIENCY; Ataxia with isolated vitamin E deficiency. Identifiers: Orphanet 96, MedGen C1848533, MONDO:0010188, OMIM 277460.

Submissions (3):

Women's Health and Genetics/Laboratory Corporation of America, LabCorp
Classification: Uncertain significance. Last evaluated: 2025-09-24. Review status: criteria provided, single submitter. Criteria: LabCorp Variant Classification Summary - May 2015. Collection method: clinical testing. Allele origin: germline.
Comment: Variant summary: TTPA c.736G>C (p.Gly246Arg) results in a non-conservative amino acid change in the encoded protein sequence. Algorithms developed to predict the effect of missense changes on protein structure and function all suggest that this variant is likely to be disruptive. The variant was absent in 251326 control chromosomes (gnomAD). c.736G>C has been observed in individuals affected with Ataxia With Vitamin E Deficiency (Mariotti_2004). These data indicate that the variant may be associated with disease. To our knowledge, no experimental evidence demonstrating an impact on protein function has been reported. The following publication has been ascertained in the context of this evaluation (PMID: 15300460). ClinVar contains an entry for this variant (Variation ID: 65598). Based on the evidence outlined above, the variant was classified as VUS-possibly pathogenic.

GeneDx
Classification: Uncertain significance. Last evaluated: 2025-07-21. Review status: criteria provided, single submitter. Criteria: GeneDx Variant Classification Process June 2021. Collection method: clinical testing. Allele origin: germline. Affected: yes.
Comment: Not observed at significant frequency in large population cohorts (gnomAD); In silico analysis supports that this missense variant has a deleterious effect on protein structure/function; This variant is associated with the following publications: (PMID: 15300460)

GeneReviews
No classification provided. Condition: Familial isolated deficiency of vitamin E. Review status: no classification provided. Collection method: literature only. Allele origin: unknown. Not counted in ClinVar's aggregate classification.

Literature cited by the submitters: PubMed 15300460 (cited by Women's Health and Genetics/Laboratory Corporation of America, LabCorp); PubMed 20301419 (cited by GeneReviews); NCBI Bookshelf NBK1241 (cited by GeneReviews).

NM_000370.3(TTPA):c.736G>C (p.Gly246Arg)

Gene: TTPA (alpha tocopherol transfer protein; minus strand). Cytogenetic location: 8q12.3.
Variant type: single nucleotide variant.
Coding change: c.736G>C on transcript NM_000370.3 (MANE Select); coding-DNA position 736, G replaced by C.
Protein change: p.Gly246Arg; replaces glycine 246 with arginine.
Molecular consequence: missense variant.
Genome position (GRCh38, 1-based): chr8:63,061,353, C>G on the plus strand (G>C on the coding strand, the complement: TTPA is on the minus strand). VCF-style: chr8-63061353-C-G. GRCh37 (hg19) VCF-style: chr8-63973912-C-G.
Other names: short protein forms G246R.
Identifiers: ClinVar variation 65598 (VCV000065598.5), dbSNP rs397515526, ClinGen allele CA344924.